The following is an entry in ClinVar:

NC_000016.10:g.67660388T>C

Genes: ACD (ACD shelterin complex subunit and telomerase recruitment factor; minus strand), LOC130059224 (ATAC-STARR-seq lymphoblastoid silent region 7617; plus strand). Cytogenetic location: 16q22.1.
Variant type: single nucleotide variant.
Genome position: GRCh38 VCF-style: chr16-67660388-T-C. GRCh37 (hg19) VCF-style: chr16-67694291-T-C.
Other names: short protein forms T31A.
Identifiers: ClinVar variation 1430293 (VCV001430293.7), dbSNP rs949049586, ClinGen allele CA283218913.
Genomic context (GRCh38, chr16:67,660,388, plus strand): 5'-GGAGGCCCCGCCCACGTACACCCCGCGCCTGCGCACGAGGGCGTCCTGCTCGGGGGCCTG[T>C]GTGCAGACTCCCGCTGGTCCACCCCGCTGGTGCACGGGATGCTGGCCCGTTTACTCTCAT-3'

ClinVar aggregate classification (germline): Uncertain significance. Review status: criteria provided, multiple submitters, no conflicts (2 of 4 stars). 2 submissions from 2 submitters: Uncertain significance (2). Last evaluated 2022-06-13.

Conditions:
Inborn genetic diseases. Identifiers: MedGen C0950123, MeSH D030342.
Dyskeratosis congenita, autosomal dominant 6 (DKCA6). Identifiers: Orphanet 3322, MedGen C4225284, MONDO:0014690, OMIM 616553.

Allele frequency attached by ClinVar (database versions not stated): gnomAD 0.00001; TOPMed 0.00001.

Submissions (2):

Labcorp Genetics (formerly Invitae), Labcorp
Classification: Uncertain significance for Dyskeratosis congenita, autosomal dominant 6. Last evaluated: 2022-06-13. Review status: criteria provided, single submitter. Criteria: Invitae Variant Classification Sherloc (09022015). Collection method: clinical testing. Allele origin: germline.
Comment: In summary, the available evidence is currently insufficient to determine the role of this variant in disease. Therefore, it has been classified as a Variant of Uncertain Significance. Algorithms developed to predict the effect of missense changes on protein structure and function output the following: SIFT: "Tolerated"; PolyPhen-2: "Benign"; Align-GVGD: "Class C0". The alanine amino acid residue is found in multiple mammalian species, which suggests that this missense change does not adversely affect protein function. This variant has not been reported in the literature in individuals affected with ACD-related conditions. This variant is not present in population databases (gnomAD no frequency). This sequence change replaces threonine, which is neutral and polar, with alanine, which is neutral and non-polar, at codon 31 of the ACD protein (p.Thr31Ala).

Ambry Genetics
Classification: Uncertain significance for Inborn genetic diseases. Last evaluated: 2021-09-26. Review status: criteria provided, single submitter. Criteria: Ambry Variant Classification Scheme 2023. Collection method: clinical testing. Allele origin: germline.
Comment: The p.T31A variant (also known as c.91A>G), located in coding exon 1 of the ACD gene, results from an A to G substitution at nucleotide position 91. The threonine at codon 31 is replaced by alanine, an amino acid with similar properties. This amino acid position is conserved. In addition, this alteration is predicted to be tolerated by in silico analysis. Since supporting evidence is limited at this time, the clinical significance of this alteration remains unclear.